The following is an entry in ClinVar:

ClinVar aggregate classification (germline): Uncertain significance (1 of 4 stars; one submission).

Conditions:
Hereditary sensory and autonomic neuropathy type 6. Also called: HSAN VI; Neuropathy, hereditary sensory and autonomic, type VI. Identifiers: Orphanet 314381, MedGen C3539003, MONDO:0013839, OMIM 614653.
Epidermolysis bullosa simplex 3, localized or generalized intermediate, with BP230 deficiency (EBS3). Also called: Epidermolysis bullosa simplex due to BP230 deficiency; Epidermolysis bullosa simplex, autosomal recessive 2. Identifiers: Orphanet 412181, MedGen C3809470, MONDO:0014180, OMIM 615425.

Allele frequency attached by ClinVar (database versions not stated): gnomAD exomes 0.00001.
gnomAD v4.1: 12 of 1,506,176 alleles (0.0008%); highest among the groups gnomAD compares: Non-Finnish European, 0.0011%; no homozygotes.

Submission:

Labcorp Genetics (formerly Invitae), Labcorp
Classification: Uncertain significance for Epidermolysis bullosa simplex 3, localized or generalized intermediate, with BP230 deficiency; Hereditary sensory and autonomic neuropathy type 6. Last evaluated: 2022-06-07. Review status: criteria provided, single submitter. Criteria: Invitae Variant Classification Sherloc (09022015). Collection method: clinical testing. Allele origin: germline.
Comment: This sequence change falls in intron 36 of the DST gene. It does not directly change the encoded amino acid sequence of the DST protein. This variant is present in population databases (no rsID available, gnomAD 0.002%). This variant has not been reported in the literature in individuals affected with DST-related conditions. Experimental studies and prediction algorithms are not available or were not evaluated, and the effect of this variant on mRNA splicing is currently unknown. In summary, the available evidence is currently insufficient to determine the role of this variant in disease. Therefore, it has been classified as a Variant of Uncertain Significance. The DST gene has multiple clinically relevant transcripts. This variant occurs in alternate transcript NM_015548.4, and corresponds to NM_001723.5:c.*53301G>A in the primary transcript.

NM_001374736.1(DST):c.14006-16G>A

Gene: DST (dystonin; minus strand). Cytogenetic location: 6p12.1.
Variant type: single nucleotide variant.
Coding change: c.14006-16G>A on transcript NM_001374736.1 (MANE Select); 16 bases into the intron before coding-DNA position 14006, G replaced by A.
Molecular consequence: intron variant.
Genome position (GRCh38, 1-based): chr6:56,562,216, C>T on the plus strand (G>A on the coding strand, the complement: DST is on the minus strand). VCF-style: chr6-56562216-C-T. GRCh37 (hg19) VCF-style: chr6-56427014-C-T.
Other names: c.7649-16G>A (NM_001144769.5); c.14006-16G>A (NM_001374722.1); c.14033-16G>A (NM_001374734.1); c.7235-16G>A (NM_001144770.2); c.7115-16G>A (NM_001374730.1, NM_001386100.1, NM_183380.4); c.13373-16G>A (NM_001374729.1); c.6137-16G>A (NM_015548.5).
Identifiers: ClinVar variation 2002604 (VCV002002604.4), dbSNP rs1456527962, ClinGen allele CA567376702.